The following is an entry in ClinVar:

ClinVar aggregate classification (germline): Pathogenic/Likely pathogenic. Review status: criteria provided, multiple submitters, no conflicts (2 of 4 stars). 3 submissions from 3 submitters: Pathogenic (2); Likely pathogenic (1). Last evaluated 2023-10-04.

Conditions:
Junctional epidermolysis bullosa, non-Herlitz type. Also called: EPIDERMOLYSIS BULLOSA, JUNCTIONAL 1A, INTERMEDIATE; COL17A1-Related Junctional Epidermolysis Bullosa; Adult junctional epidermolysis bullosa; Epidermolysis bullosa, junctional, non-herlitz type, somatic mosaic revertant; EPIDERMOLYSIS BULLOSA JUNCTIONALIS, DISENTIS TYPE; EPIDERMOLYSIS BULLOSA JUNCTIONALIS, NON-HERLITZ TYPE. Identifiers: Orphanet 251393, Orphanet 79402, Orphanet 79405, Orphanet 89840, MedGen C0268374, MONDO:0009180, OMIM 226650.
Epidermolysis bullosa, junctional 4, intermediate. Also called: EPIDERMOLYSIS BULLOSA, JUNCTIONAL 4, NON-HERLITZ TYPE; EPIDERMOLYSIS BULLOSA, GENERALIZED ATROPHIC BENIGN; Epidermolysis bullosa, junctional, localisata variant. Identifiers: MedGen C2608084, MONDO:0030750, OMIM 619787.

Allele frequency attached by ClinVar (database versions not stated): gnomAD exomes 0.00001.

Submissions (3):

Labcorp Genetics (formerly Invitae), Labcorp
Classification: Pathogenic. Last evaluated: 2023-10-04. Review status: criteria provided, single submitter. Criteria: Invitae Variant Classification Sherloc (09022015). Collection method: clinical testing. Allele origin: germline.
Comment: This sequence change creates a premature translational stop signal (p.Arg72*) in the COL17A1 gene. It is expected to result in an absent or disrupted protein product. Loss-of-function variants in COL17A1 are known to be pathogenic (PMID: 16473856, 17344927, 20301304, 21357940, 24319098). This variant is present in population databases (rs760094345, gnomAD 0.007%). This premature translational stop signal has been observed in individual(s) with autosomal recessive junctional epidermolysis bullosa (PMID: 33274474). ClinVar contains an entry for this variant (Variation ID: 585309). For these reasons, this variant has been classified as Pathogenic.

Molecular Diagnostics Laboratory, M Health Fairview: University of Minnesota
Classification: Pathogenic for Junctional epidermolysis bullosa, non-Herlitz type. Last evaluated: 2016-06-01. Review status: criteria provided, single submitter. Criteria: ACMG Guidelines, 2015. Collection method: clinical testing. Allele origin: germline. Affected: yes. Observed: 1 variant allele.

Neuberg Centre For Genomic Medicine, NCGM
Classification: Likely pathogenic for Epidermolysis bullosa, junctional 4, intermediate. Review status: criteria provided, single submitter. Criteria: ACMG Guidelines, 2015. Collection method: clinical testing. Allele origin: germline. Inheritance: Autosomal recessive inheritance. Affected: yes.

Literature cited by the submitters: PubMed 16473856 (cited by Labcorp Genetics (formerly Invitae), Labcorp); PubMed 17344927 (cited by Labcorp Genetics (formerly Invitae), Labcorp); PubMed 20301304 (cited by Labcorp Genetics (formerly Invitae), Labcorp); PubMed 21357940 (cited by Labcorp Genetics (formerly Invitae), Labcorp); PubMed 24319098 (cited by Labcorp Genetics (formerly Invitae), Labcorp); PubMed 33274474 (cited by Labcorp Genetics (formerly Invitae), Labcorp).

NM_000494.4(COL17A1):c.214C>T (p.Arg72Ter)

Gene: COL17A1 (collagen type XVII alpha 1 chain; minus strand). Cytogenetic location: 10q25.1.
Variant type: single nucleotide variant.
Coding change: c.214C>T on transcript NM_000494.4 (MANE Select); coding-DNA position 214, C replaced by T.
Protein change: p.Arg72Ter; replaces arginine 72 with a stop codon.
Molecular consequence: nonsense.
Genome position (GRCh38, 1-based): chr10:104,076,418, G>A on the plus strand (C>T on the coding strand, the complement: COL17A1 is on the minus strand). VCF-style: chr10-104076418-G-A. GRCh37 (hg19) VCF-style: chr10-105836176-G-A.
Other names: c.214C>T, p.Arg72Ter (LRG_1249t1); short protein forms R72*.
Identifiers: ClinVar variation 585309 (VCV000585309.5), dbSNP rs760094345, ClinGen allele CA5679516.